The following is an entry in ClinVar:

ClinVar aggregate classification (germline): Conflicting classifications of pathogenicity. Review status: criteria provided, conflicting classifications (1 of 4 stars). 3 submissions from 3 submitters: Likely pathogenic (1); Uncertain significance (1). 1 of the submissions does not count toward it. Last evaluated 2026-02-17.

Conditions:
Cohen syndrome (COH1). Also called: PEPPER SYNDROME; Cutis verticis gyrata, retinitis pigmentosa, and sensorineural deafness. Identifiers: Orphanet 193, MedGen C0265223, MONDO:0008999, OMIM 216550.

Allele frequency attached by ClinVar (database versions not stated): gnomAD exomes below 0.00001.
gnomAD v4.1: 4 of 1,612,256 alleles (0.00025%); highest among the groups gnomAD compares: Non-Finnish European, 0.00034%; no homozygotes.

Submissions (3):

Myriad Genetics, Inc.
Classification: Uncertain significance for Cohen syndrome. Last evaluated: 2026-02-17. Review status: criteria provided, single submitter. Criteria: Myriad Autosomal Dominant, Autosomal Recessive and X-Linked Classification Criteria (2023). Collection method: clinical testing. Allele origin: unknown.
Comment: NM_017890.4(VPS13B):c.4821-1G>T is a variant in a canonical splice site classified as a variant of uncertain significance in the context of Cohen syndrome. c.4821-1G>T has not been observed in cases with relevant disease. Relevant functional assessments of this variant are not available in the literature. c.4821-1G>T has not been observed in referenced population frequency databases. In summary, there is insufficient evidence to classify NM_017890.4(VPS13B):c.4821-1G>T as pathogenic or benign. Please note: this variant was assessed in the context of healthy population screening.

Labcorp Genetics (formerly Invitae), Labcorp
Classification: Likely pathogenic for Cohen syndrome. Last evaluated: 2021-07-15. Review status: criteria provided, single submitter. Criteria: Invitae Variant Classification Sherloc (09022015). Collection method: clinical testing. Allele origin: germline.
Comment: In summary, the currently available evidence indicates that the variant is pathogenic, but additional data are needed to prove that conclusively. Therefore, this variant has been classified as Likely Pathogenic. Donor and acceptor splice site variants typically lead to a loss of protein function (PMID: 16199547), and loss-of-function variants in VPS13B are known to be pathogenic (PMID: 15141358, 16648375, 20461111). Algorithms developed to predict the effect of sequence changes on RNA splicing suggest that this variant may disrupt the consensus splice site, but this prediction has not been confirmed by published transcriptional studies. This variant has not been reported in the literature in individuals with VPS13B-related conditions. ClinVar contains an entry for this variant (Variation ID: 371168). This variant is present in population databases (rs768342041, ExAC 0.002%). This sequence change affects an acceptor splice site in intron 30 of the VPS13B gene. It is expected to disrupt RNA splicing and likely results in an absent or disrupted protein product.

Counsyl
Classification: Likely pathogenic for Cohen syndrome. Last evaluated: 2016-07-19. Review status: no assertion criteria provided. Collection method: clinical testing. Allele origin: unknown. Not counted in ClinVar's aggregate classification.

Literature cited by the submitters: PubMed 16199547 (cited by Labcorp Genetics (formerly Invitae), Labcorp); PubMed 15141358 (cited by Labcorp Genetics (formerly Invitae), Labcorp); PubMed 16648375 (cited by Labcorp Genetics (formerly Invitae), Labcorp); PubMed 20461111 (cited by Labcorp Genetics (formerly Invitae), Labcorp).

NM_152564.5(VPS13B):c.4746-1G>T

Gene: VPS13B (vacuolar protein sorting 13 homolog B; plus strand). Cytogenetic location: 8q22.2.
Variant type: single nucleotide variant.
Coding change: c.4746-1G>T on transcript NM_152564.5 (MANE Select); the canonical splice acceptor site of the intron before coding-DNA position 4746, G replaced by T.
Molecular consequence: splice acceptor variant.
Genome position (GRCh38, 1-based): chr8:99,556,449, G>T. VCF-style: chr8-99556449-G-T. GRCh37 (hg19) VCF-style: chr8-100568677-G-T.
Other names: c.4821-1G>T (NM_017890.5).
Identifiers: ClinVar variation 371168 (VCV000371168.12), dbSNP rs768342041, ClinGen allele CA4823655.
Genomic context (GRCh38, chr8:99,556,449, plus strand): 5'-TAGAATGGTTATTTTATCTGTTTTCTTGTTTTTATTTTTGTTTTTTTCGCTGCCTTTACA[G>T]GAGAGCCTTGAACTTAGGAATTCTTCGAGATCCTGGATCAGAAATCGAAGACAGACAATA-3'